The following is an entry in ClinVar:

ClinVar aggregate classification (germline): Conflicting classifications of pathogenicity. Review status: criteria provided, conflicting classifications (1 of 4 stars). 2 submissions from 2 submitters: Uncertain significance (1); Likely benign (1). Last evaluated 2026-03-02.

Conditions:
Inborn genetic diseases. Identifiers: MedGen C0950123, MeSH D030342.

Submissions (2):

Women's Health and Genetics/Laboratory Corporation of America, LabCorp
Classification: Uncertain significance. Last evaluated: 2026-03-02. Review status: criteria provided, single submitter. Criteria: LabCorp Variant Classification Summary - May 2015. Collection method: clinical testing. Allele origin: germline.
Comment: Variant summary: ATP2B3 c.358G>A (p.Val120Ile) results in a conservative amino acid change in the encoded protein sequence. Algorithms developed to predict the effect of missense changes on protein structure and function are either unavailable or do not agree on the potential impact of this missense change. The variant allele was found at a frequency of 0.00014 in 183056 control chromosomes in the gnomAD database, including one homozygote. This frequency is not significantly higher than estimated for disease-causing variants in ATP2B3, allowing no conclusion about variant significance. To our knowledge, no occurrence of c.358G>A in individuals affected with ATP2B3-related conditions and no experimental evidence demonstrating its impact on protein function have been reported. ClinVar contains an entry for this variant (Variation ID: 3328779). Based on the evidence outlined above, the variant was classified as uncertain significance.

Ambry Genetics
Classification: Likely benign for Inborn genetic diseases. Last evaluated: 2024-04-20. Review status: criteria provided, single submitter. Criteria: Ambry Variant Classification Scheme 2023. Collection method: clinical testing. Allele origin: germline.

NM_001001344.3(ATP2B3):c.358G>A (p.Val120Ile)

Gene: ATP2B3 (ATPase plasma membrane Ca2+ transporting 3; plus strand). Cytogenetic location: Xq28.
Variant type: single nucleotide variant.
Coding change: c.358G>A on transcript NM_001001344.3 (MANE Select); coding-DNA position 358, G replaced by A.
Protein change: p.Val120Ile; replaces valine 120 with isoleucine.
Molecular consequence: missense variant.
Genome position (GRCh38, 1-based): chrX:153,541,508, G>A. VCF-style: chrX-153541508-G-A. GRCh37 (hg19) VCF-style: chrX-152806966-G-A.
Other names: c.358G>A, p.Val120Ile (NM_001388360.1, NM_001388361.1, NM_001388362.1 and 2 more transcripts); short protein forms V120I.
Identifiers: ClinVar variation 3328779 (VCV003328779.2).